The following is an entry in ClinVar:

NM_001378454.1(ALMS1):c.9325C>G (p.Gln3109Glu)

Gene: ALMS1 (ALMS1 centrosome and basal body associated protein; plus strand). Cytogenetic location: 2p13.1.
Variant type: single nucleotide variant.
Coding change: c.9325C>G on transcript NM_001378454.1 (MANE Select); coding-DNA position 9325, C replaced by G.
Protein change: p.Gln3109Glu; replaces glutamine 3109 with glutamic acid.
Molecular consequence: missense variant.
Genome position (GRCh38, 1-based): chr2:73,491,284, C>G. VCF-style: chr2-73491284-C-G. GRCh37 (hg19) VCF-style: chr2-73718411-C-G.
Other names: c.9328C>G, p.Gln3110Glu (NM_015120.4); short protein forms Q3110E, Q3109E.
Identifiers: ClinVar variation 567992 (VCV000567992.11), dbSNP rs1558667813, ClinGen allele CA347274098.

ClinVar aggregate classification (germline): Conflicting classifications of pathogenicity. Review status: criteria provided, conflicting classifications (1 of 4 stars). 3 submissions from 3 submitters: Uncertain significance (1); Likely benign (1). 1 of the submissions does not count toward it. Last evaluated 2024-10-15.

Conditions:
Cardiovascular phenotype. Identifiers: MedGen CN230736.
Alstrom syndrome (ALMS). Identifiers: Orphanet 64, MedGen C0268425, MONDO:0008763, OMIM 203800.

gnomAD v4.1: 1 of 1,614,164 alleles (0.000062%); highest among the groups gnomAD compares: Non-Finnish European, 0.000085%; no homozygotes.

Submissions (3):

Ambry Genetics
Classification: Likely benign for Cardiovascular phenotype. Last evaluated: 2024-10-15. Review status: criteria provided, single submitter. Criteria: Ambry Variant Classification Scheme 2023. Collection method: clinical testing. Allele origin: germline.

Labcorp Genetics (formerly Invitae), Labcorp
Classification: Uncertain significance for Alstrom syndrome. Last evaluated: 2022-02-12. Review status: criteria provided, single submitter. Criteria: Invitae Variant Classification Sherloc (09022015). Collection method: clinical testing. Allele origin: germline.
Comment: This sequence change replaces glutamine, which is neutral and polar, with glutamic acid, which is acidic and polar, at codon 3110 of the ALMS1 protein (p.Gln3110Glu). This variant is not present in population databases (gnomAD no frequency). This variant has not been reported in the literature in individuals affected with ALMS1-related conditions. ClinVar contains an entry for this variant (Variation ID: 567992). In summary, the available evidence is currently insufficient to determine the role of this variant in disease. Therefore, it has been classified as a Variant of Uncertain Significance.

Natera, Inc.
Classification: Uncertain significance for Alstrom syndrome. Last evaluated: 2020-10-26. Review status: no assertion criteria provided. Collection method: clinical testing. Allele origin: germline. Not counted in ClinVar's aggregate classification.